The following is an entry in ClinVar:

NM_006904.7(PRKDC):c.6175C>G (p.Pro2059Ala)

Gene: PRKDC (protein kinase, DNA-activated, catalytic subunit; minus strand). Cytogenetic location: 8q11.21.
Variant type: single nucleotide variant.
Coding change: c.6175C>G on transcript NM_006904.7 (MANE Select); coding-DNA position 6175, C replaced by G.
Protein change: p.Pro2059Ala; replaces proline 2059 with alanine.
Molecular consequence: missense variant.
Genome position (GRCh38, 1-based): chr8:47,859,643, G>C on the plus strand (C>G on the coding strand, the complement: PRKDC is on the minus strand). VCF-style: chr8-47859643-G-C. GRCh37 (hg19) VCF-style: chr8-48772204-G-C.
Other names: c.6175C>G, p.Pro2059Ala (NM_001081640.2); short protein forms P2059A.
Identifiers: ClinVar variation 2449843 (VCV002449843.2), dbSNP rs1042534758, ClinGen allele CA371161174.

ClinVar aggregate classification (germline): Uncertain significance (1 of 4 stars; one submission).

Submission:

Ambry Genetics
Classification: Uncertain significance. Last evaluated: 2022-12-18. Review status: criteria provided, single submitter. Criteria: Ambry Variant Classification Scheme 2023. Collection method: clinical testing. Allele origin: germline.
Comment: The p.P2059A variant (also known as c.6175C>G), located in coding exon 46 of the PRKDC gene, results from a C to G substitution at nucleotide position 6175. The proline at codon 2059 is replaced by alanine, an amino acid with highly similar properties. This amino acid position is conserved. In addition, this alteration is predicted to be tolerated by in silico analysis. Since supporting evidence is limited at this time, the clinical significance of this alteration remains unclear.